The following is an entry in ClinVar:

NM_004991.4(MECOM):c.1906A>G (p.Lys636Glu)

Gene: MECOM (MDS1 and EVI1 complex locus; minus strand). Cytogenetic location: 3q26.2.
Variant type: single nucleotide variant.
Coding change: c.1906A>G on transcript NM_004991.4 (MANE Select); coding-DNA position 1906, A replaced by G.
Protein change: p.Lys636Glu; replaces lysine 636 with glutamic acid.
Molecular consequence: missense variant. On other transcripts: intron variant (2).
Genome position (GRCh38, 1-based): chr3:169,115,966, T>C on the plus strand (A>G on the coding strand, the complement: MECOM is on the minus strand). VCF-style: chr3-169115966-T-C. GRCh37 (hg19) VCF-style: chr3-168833754-T-C.
Other names: c.1537A>G, p.Lys513Glu (NM_001105077.4); c.1342A>G, p.Lys448Glu (NM_001105078.4, NM_001164000.2, NM_001205194.2 and 4 more transcripts); c.1345A>G, p.Lys449Glu (NM_001163999.2, NM_001366467.2, NM_001366468.2 and 1 more transcripts); c.1906A>G, p.Lys636Glu (NM_001366466.2); c.1133-199A>G (NM_001366473.2); c.569-199A>G (NM_001366474.2); short protein forms K448E, K513E, K636E, K449E.
Identifiers: ClinVar variation 3871745 (VCV003871745.1).

ClinVar aggregate classification (germline): Uncertain significance (1 of 4 stars; one submission).

Conditions:
Inborn genetic diseases. Identifiers: MedGen C0950123, MeSH D030342.

Submission:

Ambry Genetics
Classification: Uncertain significance for Inborn genetic diseases. Last evaluated: 2025-01-25. Review status: criteria provided, single submitter. Criteria: Ambry Variant Classification Scheme 2023. Collection method: clinical testing. Allele origin: germline.
Comment: The p.K636E variant (also known as c.1906A>G), located in coding exon 8 of the MECOM gene, results from an A to G substitution at nucleotide position 1906. The lysine at codon 636 is replaced by glutamic acid, an amino acid with similar properties. This amino acid position is conserved. In addition, this alteration is predicted to be tolerated by in silico analysis. Based on the available evidence, the clinical significance of this variant remains unclear.